The following is an entry in ClinVar:

NM_133433.4(NIPBL):c.348T>C (p.Tyr116=)

Gene: NIPBL (NIPBL cohesin loading factor; plus strand). Cytogenetic location: 5p13.2.
Variant type: single nucleotide variant.
Coding change: c.348T>C on transcript NM_133433.4 (MANE Select); coding-DNA position 348, T replaced by C.
Protein change: p.Tyr116=; no amino-acid change (tyrosine 116 retained).
Molecular consequence: synonymous variant.
Genome position (GRCh38, 1-based): chr5:36,958,221, T>C. VCF-style: chr5-36958221-T-C. GRCh37 (hg19) VCF-style: chr5-36958323-T-C.
Other names: c.348T>C, p.Tyr116= (NM_015384.5).
Identifiers: ClinVar variation 1907304 (VCV001907304.25), dbSNP rs1419197381, ClinGen allele CA443901909.
Genomic context (GRCh38, chr5:36,958,221, plus strand): 5'-GCAGGCCGTCCTGGCAAGGAGTCCTAATGTTTTCAGGGAGAAAAGCATGCAGAACAGATA[T>C]GTACAAAGTGGTGAGTTTCTTAATAACTGAATTCCCATATCAAACTTGTTTTATACATAT-3'
Protein context (NP_597677.2, residues 106-126): VFREKSMQNR[Tyr116=]VQSGMMMSQY

ClinVar aggregate classification (germline): Likely benign. Review status: criteria provided, multiple submitters, no conflicts (2 of 4 stars). 2 submissions from 2 submitters: Likely benign (2). Last evaluated 2024-04-01.

Conditions:
Cornelia de Lange syndrome 1 (CDLS1). Also called: TYPUS DEGENERATIVUS AMSTELODAMENSIS; Brachmann de Lange syndrome; NIPBL-Related Cornelia de Lange Syndrome. Identifiers: Orphanet 199, MedGen C4551851, MONDO:0007387, OMIM 122470.

Allele frequency attached by ClinVar (database versions not stated): gnomAD 0.00001; gnomAD exomes 0.00001; TOPMed 0.00004.
gnomAD v4.1: 8 of 1,613,472 alleles (0.0005%); highest among the groups gnomAD compares: African/African-American, 0.0053%; no homozygotes.

Submissions (2):

CeGaT Center for Human Genetics Tuebingen
Classification: Likely benign. Last evaluated: 2024-04-01. Review status: criteria provided, single submitter. Criteria: CeGaT Center For Human Genetics Tuebingen Variant Classification Criteria Version 2. Collection method: clinical testing. Allele origin: germline. Affected: yes. Observed: 1 variant allele.
Comment: NIPBL: BP4, BP7

Labcorp Genetics (formerly Invitae), Labcorp
Classification: Likely benign for Cornelia de Lange syndrome 1. Last evaluated: 2023-02-13. Review status: criteria provided, single submitter. Criteria: Invitae Variant Classification Sherloc (09022015). Collection method: clinical testing. Allele origin: germline.